The following is an entry in ClinVar:

NM_004656.4(BAP1):c.146T>C (p.Leu49Pro)

Gene: BAP1 (BRCA1 associated deubiquitinase 1; minus strand). Cytogenetic location: 3p21.1.
Variant type: single nucleotide variant.
Coding change: c.146T>C on transcript NM_004656.4 (MANE Select); coding-DNA position 146, T replaced by C.
Protein change: p.Leu49Pro; replaces leucine 49 with proline.
Molecular consequence: missense variant.
Genome position (GRCh38, 1-based): chr3:52,408,583, A>G on the plus strand (T>C on the coding strand, the complement: BAP1 is on the minus strand). VCF-style: chr3-52408583-A-G. GRCh37 (hg19) VCF-style: chr3-52442599-A-G.
Other names: short protein forms L49P.
Identifiers: ClinVar variation 1173079 (VCV001173079.3), dbSNP rs2153228340, ClinGen allele CA353113658.

ClinVar aggregate classification (germline): Pathogenic. Review status: criteria provided, single submitter (1 of 4 stars). 2 submissions from 2 submitters: Pathogenic (1). 1 of the submissions does not count toward it. Last evaluated 2024-07-25.

Conditions:
Neurodevelopmental disorder. Identifiers: MedGen C1535926, MeSH D065886, MONDO:0700092.

Submissions (2):

GeneDx
Classification: Pathogenic. Last evaluated: 2024-07-25. Review status: criteria provided, single submitter. Criteria: GeneDx Variant Classification Process June 2021. Collection method: clinical testing. Allele origin: germline.
Comment: In silico analysis supports that this missense variant has a deleterious effect on protein structure/function; Not observed at significant frequency in large population cohorts (gnomAD); This variant is associated with the following publications: (PMID: 38506155, 35051358)

Laboratory of Molecular Genetics (Pr. Bezieau's lab), CHU de Nantes
Classification: Pathogenic for Neurodevelopmental disorder. Last evaluated: 2021-06-22. Review status: no assertion criteria provided. Collection method: research. Allele origin: de novo. Affected: yes. Not counted in ClinVar's aggregate classification.